The following is an entry in ClinVar:

NM_018406.7(MUC4):c.9069C>G (p.Thr3023=)

Gene: MUC4 (mucin 4, cell surface associated). Cytogenetic location: 3q29.
Variant type: single nucleotide variant.
Coding change: c.9069C>G on transcript NM_018406.7 (MANE Select); coding-DNA position 9069, C replaced by G.
Protein change: p.Thr3023=; no amino-acid change (threonine 3023 retained).
Molecular consequence: synonymous variant. On other transcripts: genic upstream transcript variant (2).
Genome position (GRCh38, 1-based): chr3:195,782,511, G>C on the plus strand (C>G on the coding strand, the complement: MUC4 is on the minus strand). VCF-style: chr3-195782511-G-C. GRCh37 (hg19) VCF-style: chr3-195509382-G-C.
Other names: c.12924C>G, p.Thr4308= (NM_001322468.1); c.83-8206C>G (NM_138297.5); c.83-4056C>G (NM_004532.6).
Identifiers: ClinVar variation 3234315 (VCV003234315.20), dbSNP rs748661580, ClinGen allele CA2771166.

ClinVar aggregate classification (germline): Likely benign (1 of 4 stars; one submission).

Allele frequency attached by ClinVar (database versions not stated): gnomAD 0.00043; ExAC 0.00050.
gnomAD v4.1: 142 of 1,383,856 alleles (0.01%); highest among the groups gnomAD compares: African/African-American, 0.21%; 13 homozygotes.

Submission:

CeGaT Center for Human Genetics Tuebingen
Classification: Likely benign. Last evaluated: 2024-04-01. Review status: criteria provided, single submitter. Criteria: CeGaT Center For Human Genetics Tuebingen Variant Classification Criteria Version 2. Collection method: clinical testing. Allele origin: germline. Affected: yes. Observed: 1 variant allele.
Comment: MUC4: BP4, BS2